The following is an entry in ClinVar:

NM_000535.7(PMS2):c.673G>T (p.Glu225Ter)

Gene: PMS2 (PMS1 homolog 2, mismatch repair system component; minus strand). Cytogenetic location: 7p22.1.
Variant type: single nucleotide variant.
Coding change: c.673G>T on transcript NM_000535.7 (MANE Select); coding-DNA position 673, G replaced by T.
Protein change: p.Glu225Ter; replaces glutamic acid 225 with a stop codon.
Molecular consequence: nonsense. On other transcripts: 5 prime UTR variant (2), non-coding transcript variant (1), intron variant (1).
Genome position (GRCh38, 1-based): chr7:5,999,140, C>A on the plus strand (G>T on the coding strand, the complement: PMS2 is on the minus strand). VCF-style: chr7-5999140-C-A. GRCh37 (hg19) VCF-style: chr7-6038771-C-A.
Other names: c.268G>T, p.Glu90Ter (NM_001322003.2, NM_001322004.2, NM_001322005.2 and 2 more transcripts); c.673G>T, p.Glu225Ter (NM_001322006.2, NM_001322014.2); c.355G>T, p.Glu119Ter (NM_001322007.2, NM_001322008.2); c.-261G>T (NM_001322011.2, NM_001322012.2); c.364G>T, p.Glu122Ter (NM_001322015.2); c.133-1717G>T (NM_001322013.2); short protein forms E119*, E122*, E225*, E90*.
Identifiers: ClinVar variation 1068638 (VCV001068638.9), dbSNP rs1562677770, ClinGen allele CA366743873.
Genomic context (GRCh38, chr7:5,999,140, plus strand): 5'-AGGCGTTGAAGTAACCGGCCATCACTACCTGCTTCTGCCCAAACACAGAGCCGATATTTT[C>A]CTTTATGCTGGGGCTTCCACCTGTGCATACCACAGGCTGTCGTTTTCCTTGTCCAAGCTG-3'

ClinVar aggregate classification (germline): Pathogenic (1 of 4 stars; one submission).

Conditions:
Hereditary nonpolyposis colorectal neoplasms. Identifiers: MedGen C0009405, MeSH D003123.

Submission:

Labcorp Genetics (formerly Invitae), Labcorp
Classification: Pathogenic for Hereditary nonpolyposis colorectal neoplasms. Last evaluated: 2022-08-23. Review status: criteria provided, single submitter. Criteria: Invitae Variant Classification Sherloc (09022015). Collection method: clinical testing. Allele origin: germline.
Comment: This sequence change creates a premature translational stop signal (p.Glu225*) in the PMS2 gene. It is expected to result in an absent or disrupted protein product. Loss-of-function variants in PMS2 are known to be pathogenic (PMID: 21376568, 24362816). For these reasons, this variant has been classified as Pathogenic. Algorithms developed to predict the effect of sequence changes on RNA splicing suggest that this variant may disrupt the consensus splice site. ClinVar contains an entry for this variant (Variation ID: 1068638). This premature translational stop signal has been observed in individual(s) with breast cancer (PMID: 28724667). This variant is not present in population databases (gnomAD no frequency).

Literature cited by the submitters: PubMed 21376568; PubMed 24362816; PubMed 28724667.